The following is an entry in ClinVar:

NM_001042432.2(CLN3):c.294+5G>A

Gene: CLN3 (CLN3 lysosomal/endosomal transmembrane protein, battenin; minus strand). Cytogenetic location: 16p12.1.
Variant type: single nucleotide variant.
Coding change: c.294+5G>A on transcript NM_001042432.2 (MANE Select); 5 bases into the intron after coding-DNA position 294, G replaced by A.
Molecular consequence: intron variant.
Genome position (GRCh38, 1-based): chr16:28,488,586, C>T on the plus strand (G>A on the coding strand, the complement: CLN3 is on the minus strand). VCF-style: chr16-28488586-C-T. GRCh37 (hg19) VCF-style: chr16-28499907-C-T.
Other names: c.60+704G>A (NM_001286109.2); c.222+704G>A (NM_001286104.2); c.74+5G>A (NM_001286105.2); c.132+5G>A (NM_001286110.2); c.294+5G>A (NM_000086.2).
Identifiers: ClinVar variation 1436227 (VCV001436227.5), dbSNP rs780921389, ClinGen allele CA7980995.

ClinVar aggregate classification (germline): Uncertain significance. Review status: criteria provided, single submitter (1 of 4 stars). 2 submissions from 2 submitters: Uncertain significance (1). 1 of the submissions does not count toward it. Last evaluated 2025-08-06.

Conditions:
Neuronal ceroid lipofuscinosis. Also called: Neuronal Ceroid Lipofuscinoses. Identifiers: Orphanet 216, Orphanet 79263, MedGen C0027877, MONDO:0016295. Disease mechanism: loss of function.
Neuronal ceroid lipofuscinosis 3 (CLN3). Identifiers: Orphanet 228346, MedGen C0751383, MONDO:0008767, OMIM 204200.

Allele frequency attached by ClinVar (database versions not stated): gnomAD exomes 0.00001; ExAC 0.00001.
gnomAD v4.1: 15 of 1,613,718 alleles (0.00093%); highest among the groups gnomAD compares: South Asian, 0.0044%; no homozygotes.

Submissions (2):

Labcorp Genetics (formerly Invitae), Labcorp
Classification: Uncertain significance for Neuronal ceroid lipofuscinosis. Last evaluated: 2025-08-06. Review status: criteria provided, single submitter. Criteria: Invitae Variant Classification Sherloc (09022015). Collection method: clinical testing. Allele origin: germline.
Comment: This sequence change falls in intron 5 of the CLN3 gene. It does not directly change the encoded amino acid sequence of the CLN3 protein. It affects a nucleotide within the consensus splice site. This variant is present in population databases (rs780921389, gnomAD 0.006%). This variant has not been reported in the literature in individuals affected with CLN3-related conditions. ClinVar contains an entry for this variant (Variation ID: 1436227). Variants that disrupt the consensus splice site are a relatively common cause of aberrant splicing (PMID: 17576681, 9536098). Algorithms developed to predict the effect of sequence changes on RNA splicing suggest that this variant may disrupt the consensus splice site. In summary, the available evidence is currently insufficient to determine the role of this variant in disease. Therefore, it has been classified as a Variant of Uncertain Significance.

NOVIN Medical Genetic Laboratory
Classification: Pathogenic for Neuronal ceroid lipofuscinosis 3. Last evaluated: 2025-08-30. Review status: no assertion criteria provided. Collection method: clinical testing. Allele origin: germline. Inheritance: Autosomal recessive inheritance. Affected: yes. Observed: 1 homozygote. Not counted in ClinVar's aggregate classification.

Literature cited by the submitters: PubMed 17576681 (cited by Labcorp Genetics (formerly Invitae), Labcorp); PubMed 9536098 (cited by Labcorp Genetics (formerly Invitae), Labcorp).